The following is an entry in ClinVar:

ClinVar aggregate classification (germline): Uncertain significance. Review status: criteria provided, multiple submitters, no conflicts (2 of 4 stars). 6 submissions from 6 submitters: Uncertain significance (6). Last evaluated 2025-12-01.

Conditions:
Inborn genetic diseases. Identifiers: MedGen C0950123, MeSH D030342.
S1PR2-related disorder. Also called: S1PR2-related condition.

Allele frequency attached by ClinVar (database versions not stated): TOPMed 0.00002; ExAC 0.00003; gnomAD 0.00004; ESP Exome Variant Server 0.00008.

Submissions (6):

Labcorp Genetics (formerly Invitae), Labcorp
Classification: Uncertain significance. Last evaluated: 2025-12-01. Review status: criteria provided, single submitter. Criteria: Invitae Variant Classification Sherloc (09022015). Collection method: clinical testing. Allele origin: germline.
Comment: This sequence change replaces arginine, which is basic and polar, with histidine, which is basic and polar, at codon 329 of the S1PR2 protein (p.Arg329His). This variant is present in population databases (rs143246348, gnomAD 0.005%). This variant has not been reported in the literature in individuals affected with S1PR2-related conditions. ClinVar contains an entry for this variant (Variation ID: 1879416). An algorithm developed to predict the effect of missense changes on protein structure and function (PolyPhen-2) suggests that this variant is likely to be disruptive. In summary, the available evidence is currently insufficient to determine the role of this variant in disease. Therefore, it has been classified as a Variant of Uncertain Significance.

PreventionGenetics, part of Exact Sciences
Classification: Uncertain significance for S1PR2-related condition. Last evaluated: 2025-06-15. Review status: criteria provided, single submitter. Criteria: ACMG Guidelines, 2015. Collection method: clinical testing. Allele origin: germline.
Comment: The S1PR2 c.986G>A variant is predicted to result in the amino acid substitution p.Arg329His. To our knowledge, this variant has not been reported in the literature. This variant is reported in 0.0057% of alleles in individuals of European (Non-Finnish) descent in gnomAD. At this time, the clinical significance of this variant is uncertain due to the absence of conclusive functional and genetic evidence.

Ambry Genetics
Classification: Uncertain significance for Inborn genetic diseases. Last evaluated: 2025-04-13. Review status: criteria provided, single submitter. Criteria: Ambry Variant Classification Scheme 2023. Collection method: clinical testing. Allele origin: germline.

CeGaT Center for Human Genetics Tuebingen
Classification: Uncertain significance. Last evaluated: 2022-12-01. Review status: criteria provided, single submitter. Criteria: CeGaT Center For Human Genetics Tuebingen Variant Classification Criteria Version 2. Collection method: clinical testing. Allele origin: germline. Affected: yes. Observed: 1 variant allele.
Comment: S1PR2: PM2, BP4

Blueprint Genetics
Classification: Uncertain significance. Last evaluated: 2022-06-15. Review status: criteria provided, single submitter. Criteria: ACMG Guidelines, 2015. Collection method: clinical testing. Allele origin: germline.

GeneDx
Classification: Uncertain significance. Last evaluated: 2019-09-12. Review status: criteria provided, single submitter. Criteria: GeneDx Variant Classification Process June 2021. Collection method: clinical testing. Allele origin: germline. Affected: yes.
Comment: Not observed at a significant frequency in large population cohorts (gnomAD); In silico analysis suggests that this missense variant does not alter protein structure/function; Has not been previously published as pathogenic or benign to our knowledge

NM_004230.4(S1PR2):c.986G>A (p.Arg329His)

Gene: S1PR2 (sphingosine-1-phosphate receptor 2; minus strand). Cytogenetic location: 19p13.2.
Variant type: single nucleotide variant.
Coding change: c.986G>A on transcript NM_004230.4 (MANE Select); coding-DNA position 986, G replaced by A.
Protein change: p.Arg329His; replaces arginine 329 with histidine.
Molecular consequence: missense variant.
Genome position (GRCh38, 1-based): chr19:10,223,920, C>T on the plus strand (G>A on the coding strand, the complement: S1PR2 is on the minus strand). VCF-style: chr19-10223920-C-T. GRCh37 (hg19) VCF-style: chr19-10334596-C-T.
Other names: c.986G>A (NM_004230.3); short protein forms R329H.
Identifiers: ClinVar variation 1879416 (VCV001879416.34), dbSNP rs143246348, ClinGen allele CA9188957.